The following is an entry in ClinVar:

ClinVar aggregate classification (germline): Pathogenic (1 of 4 stars; one submission).

Conditions:
Early-infantile DEE. Also called: Early infantile epileptic encephalopathy with suppression bursts; Early infantile epileptic encephalopathy; Ohtahara syndrome. Identifiers: Orphanet 1934, MedGen C0393706, MONDO:0800491.

Submission:

Labcorp Genetics (formerly Invitae), Labcorp
Classification: Pathogenic for Early-infantile DEE. Last evaluated: 2023-11-27. Review status: criteria provided, single submitter. Criteria: Invitae Variant Classification Sherloc (09022015). Collection method: clinical testing. Allele origin: germline.
Comment: This sequence change creates a premature translational stop signal (p.Arg75Alafs*58) in the KCNQ2 gene. It is expected to result in an absent or disrupted protein product. Loss-of-function variants in KCNQ2 are known to be pathogenic (PMID: 14534157, 23692823, 27779742). This variant is not present in population databases (gnomAD no frequency). This variant has not been reported in the literature in individuals affected with KCNQ2-related conditions. ClinVar contains an entry for this variant (Variation ID: 1457636). For these reasons, this variant has been classified as Pathogenic.

Literature cited by the submitters: PubMed 14534157; PubMed 23692823; PubMed 27779742.

NM_172107.4(KCNQ2):c.223del (p.Arg75fs)

Gene: KCNQ2 (potassium voltage-gated channel subfamily Q member 2; minus strand). Cytogenetic location: 20q13.33.
Variant type: Deletion.
Coding change: c.223del on transcript NM_172107.4 (MANE Select); coding-DNA position 223, one base deleted (C; older notation c.223delC).
Protein change: p.Arg75fs; shifts the reading frame from arginine 75.
Molecular consequence: frameshift variant.
Genome position (GRCh38, 1-based): chr20:63,472,241, G deleted on the plus strand (C on the coding strand, the reverse complement: KCNQ2 is on the minus strand); the first of 2 consecutive G bases (chr20:63,472,241-63,472,242); deleting either gives the same sequence. VCF-style (leftmost placement, unchanged base first): chr20-63472240-CG-C. GRCh37 (hg19) VCF-style: chr20-62103593-CG-C.
Other names: c.223del, p.Arg75fs (NM_001382235.1, NM_004518.6, NM_172106.3 and 2 more transcripts); short protein forms R75fs.
Identifiers: ClinVar variation 1457636 (VCV001457636.7), dbSNP rs2145921283, ClinGen allele CA2573157298.